The following is an entry in ClinVar:

NM_004208.4(AIFM1):c.918C>T (p.Ile306=)

Genes: RAB33A (RAB33A, member RAS oncogene family; plus strand), AIFM1 (apoptosis inducing factor mitochondria associated 1; minus strand). Cytogenetic location: Xq26.1.
Variant type: single nucleotide variant.
Coding change: c.918C>T on transcript NM_004208.4 (MANE Select); coding-DNA position 918, C replaced by T.
Protein change: p.Ile306=; no amino-acid change (isoleucine 306 retained).
Molecular consequence: synonymous variant. On other transcripts: non-coding transcript variant (1).
Genome position (GRCh38, 1-based): chrX:130,138,642, G>A on the plus strand (C>T on the coding strand, the complement: AIFM1 is on the minus strand). VCF-style: chrX-130138642-G-A. GRCh37 (hg19) VCF-style: chrX-129272617-G-A.
Other names: p.I306I:ATC>ATT; c.918C>T, p.Ile306= (NM_001130847.4); c.906C>T, p.Ile302= (NM_145812.3).
Identifiers: ClinVar variation 136320 (VCV000136320.26), dbSNP rs12014115, ClinGen allele CA289328.

ClinVar aggregate classification (germline): Benign. Review status: criteria provided, multiple submitters, no conflicts (2 of 4 stars). 8 submissions from 8 submitters: Benign (7). 1 of the submissions does not count toward it. Last evaluated 2026-02-03.

Conditions:
Charcot-Marie-Tooth Neuropathy X. Identifiers: MedGen CN118851.
Combined oxidative phosphorylation deficiency. Identifiers: MedGen C4540031, MONDO:0000732.
Charcot-Marie-Tooth disease. Also called: Charcot-Marie-Tooth Hereditary Neuropathy; Charcot-Marie-Tooth Neuropathy. Identifiers: Orphanet 166, MedGen C0007959, MONDO:0015626.
Severe X-linked mitochondrial encephalomyopathy. Also called: ENCEPHALOMYOPATHY, MITOCHONDRIAL, X-LINKED. Identifiers: Orphanet 238329, MedGen C3151753, MONDO:0010437, OMIM 300816.

Allele frequency attached by ClinVar (database versions not stated): gnomAD exomes 0.00624 and 0.01138; ExAC 0.01366; 1000 Genomes Project 30x 0.02518; 1000 Genomes Project 0.02781; gnomAD 0.03001 and 0.03205; TOPMed 0.03458; ESP Exome Variant Server 0.03768.
gnomAD v4.1: 10,316 of 1,208,481 alleles (0.85%); highest among the groups gnomAD compares: African/African-American, 9.4%; 208 homozygotes.

Submissions (8):

Labcorp Genetics (formerly Invitae), Labcorp
Classification: Benign for Charcot-Marie-Tooth Neuropathy X; Combined oxidative phosphorylation deficiency. Last evaluated: 2026-02-03. Review status: criteria provided, single submitter. Criteria: Invitae Variant Classification Sherloc (09022015). Collection method: clinical testing. Allele origin: germline.

ARUP Laboratories, Molecular Genetics and Genomics, ARUP Laboratories
Classification: Benign. Last evaluated: 2023-11-21. Review status: criteria provided, single submitter. Criteria: ARUP Molecular Germline Variant Investigation Process 2024. Collection method: clinical testing. Allele origin: germline.

Athena Diagnostics
Classification: Benign. Last evaluated: 2018-08-30. Review status: criteria provided, single submitter. Criteria: Athena Diagnostics Criteria. Collection method: clinical testing. Allele origin: germline.

Illumina Laboratory Services, Illumina
Classification: Benign for Severe X-linked mitochondrial encephalomyopathy. Last evaluated: 2018-01-12. Review status: criteria provided, single submitter. Criteria: ICSL Variant Classification Criteria 13 December 2019. Collection method: clinical testing. Allele origin: germline.
Comment: This variant was observed in the ICSL laboratory as part of a predisposition screen in an ostensibly healthy population. It had not been previously curated by ICSL or reported in the Human Gene Mutation Database (HGMD: prior to June 1st, 2018), and was therefore a candidate for classification through an automated scoring system. Utilizing variant allele frequency, disease prevalence and penetrance estimates, and inheritance mode, an automated score was calculated to assess if this variant is too frequent to cause the disease. Based on the score and internal cut-off values, a variant classified as benign is not then subjected to further curation. The score for this variant resulted in a classification of benign for this disease.

GeneDx
Classification: Benign. Last evaluated: 2013-03-20. Review status: criteria provided, single submitter. Criteria: GeneDx Variant Classification (06012015). Collection method: clinical testing. Allele origin: germline. Affected: yes.
Comment: This variant is considered likely benign or benign based on one or more of the following criteria: it is a conservative change, it occurs at a poorly conserved position in the protein, it is predicted to be benign by multiple in silico algorithms, and/or has population frequency not consistent with disease.

Breakthrough Genomics
Classification: Benign. Review status: criteria provided, single submitter. Criteria: ACMG Guidelines, 2015. Collection method: not provided. Allele origin: germline. Inheritance: X-linked inheritance. Affected: yes.

Molecular Genetics Laboratory, London Health Sciences Centre
Classification: Benign for Charcot-Marie-Tooth disease. Review status: criteria provided, single submitter. Criteria: ACMG Guidelines, 2015. Collection method: clinical testing. Allele origin: germline. Affected: yes.

Mayo Clinic Laboratories, Mayo Clinic
Classification: Benign. Last evaluated: 2016-03-11. Review status: no assertion criteria provided. Collection method: clinical testing. Allele origin: unknown. Not counted in ClinVar's aggregate classification.